The following is an entry in ClinVar:

NM_001854.4(COL11A1):c.2857G>A (p.Glu953Lys)

Gene: COL11A1 (collagen type XI alpha 1 chain; minus strand). Cytogenetic location: 1p21.1.
Variant type: single nucleotide variant.
Coding change: c.2857G>A on transcript NM_001854.4 (MANE Select); coding-DNA position 2857, G replaced by A.
Protein change: p.Glu953Lys; replaces glutamic acid 953 with lysine.
Molecular consequence: missense variant. On other transcripts: non-coding transcript variant (1).
Genome position (GRCh38, 1-based): chr1:102,970,224, C>T on the plus strand (G>A on the coding strand, the complement: COL11A1 is on the minus strand). VCF-style: chr1-102970224-C-T. GRCh37 (hg19) VCF-style: chr1-103435780-C-T.
Other names: c.2740G>A, p.Glu914Lys (NM_001190709.2); c.2893G>A, p.Glu965Lys (NM_080629.3); c.2509G>A, p.Glu837Lys (NM_080630.4); short protein forms E837K, E914K, E953K, E965K.
Identifiers: ClinVar variation 3612117 (VCV003612117.2).

ClinVar aggregate classification (germline): Uncertain significance (1 of 4 stars; one submission).

Submission:

Labcorp Genetics (formerly Invitae), Labcorp
Classification: Uncertain significance. Last evaluated: 2024-09-30. Review status: criteria provided, single submitter. Criteria: Invitae Variant Classification Sherloc (09022015). Collection method: clinical testing. Allele origin: germline.
Comment: This sequence change replaces glutamic acid, which is acidic and polar, with lysine, which is basic and polar, at codon 953 of the COL11A1 protein (p.Glu953Lys). This variant is not present in population databases (gnomAD no frequency). This variant has not been reported in the literature in individuals affected with COL11A1-related conditions. Invitae Evidence Modeling of protein sequence and biophysical properties (such as structural, functional, and spatial information, amino acid conservation, physicochemical variation, residue mobility, and thermodynamic stability) has been performed for this missense variant. However, the output from this modeling did not meet the statistical confidence thresholds required to predict the impact of this variant on COL11A1 protein function. In summary, the available evidence is currently insufficient to determine the role of this variant in disease. Therefore, it has been classified as a Variant of Uncertain Significance.